The following is an entry in ClinVar:

ClinVar aggregate classification (germline): Likely pathogenic (1 of 4 stars; one submission).

Submission:

Labcorp Genetics (formerly Invitae), Labcorp
Classification: Likely pathogenic. Last evaluated: 2023-12-15. Review status: criteria provided, single submitter. Criteria: Invitae Variant Classification Sherloc (09022015). Collection method: clinical testing. Allele origin: germline.
Comment: This sequence change affects a donor splice site in intron 4 of the PEPD gene. It is expected to disrupt RNA splicing. Variants that disrupt the donor or acceptor splice site typically lead to a loss of protein function (PMID: 16199547), and loss-of-function variants in PEPD are known to be pathogenic (PMID: 8198124, 10721675, 12384772, 17142620). This variant is not present in population databases (gnomAD no frequency). This variant has not been reported in the literature in individuals affected with PEPD-related conditions. Algorithms developed to predict the effect of sequence changes on RNA splicing suggest that this variant may disrupt the consensus splice site. In summary, the currently available evidence indicates that the variant is pathogenic, but additional data are needed to prove that conclusively. Therefore, this variant has been classified as Likely Pathogenic.

Literature cited by the submitters: PubMed 16199547; PubMed 8198124; PubMed 10721675; PubMed 12384772; PubMed 17142620.

NM_000285.4(PEPD):c.393+2T>A

Gene: PEPD (peptidase D; minus strand). Cytogenetic location: 19q13.11.
Variant type: single nucleotide variant.
Coding change: c.393+2T>A on transcript NM_000285.4 (MANE Select); the canonical splice donor site of the intron after coding-DNA position 393, T replaced by A.
Molecular consequence: splice donor variant. On other transcripts: intron variant (1).
Genome position (GRCh38, 1-based): chr19:33,500,936, A>T on the plus strand (T>A on the coding strand, the complement: PEPD is on the minus strand). VCF-style: chr19-33500936-A-T. GRCh37 (hg19) VCF-style: chr19-33991842-A-T.
Other names: c.202-7599T>A (NM_001166057.2); c.393+2T>A (NM_001166056.2).
Identifiers: ClinVar variation 2703490 (VCV002703490.3), dbSNP rs2513508732, ClinGen allele CA405231100.